The following is an entry in ClinVar:

NM_017654.4(SAMD9):c.2851T>C (p.Trp951Arg)

Gene: SAMD9 (sterile alpha motif domain containing 9; minus strand). Cytogenetic location: 7q21.2.
Variant type: single nucleotide variant.
Coding change: c.2851T>C on transcript NM_017654.4 (MANE Select); coding-DNA position 2851, T replaced by C.
Protein change: p.Trp951Arg; replaces tryptophan 951 with arginine.
Molecular consequence: missense variant.
Genome position (GRCh38, 1-based): chr7:93,103,247, A>G on the plus strand (T>C on the coding strand, the complement: SAMD9 is on the minus strand). VCF-style: chr7-93103247-A-G. GRCh37 (hg19) VCF-style: chr7-92732560-A-G.
Other names: c.2851T>C, p.Trp951Arg (NM_001193307.2); short protein forms W951R.
Identifiers: ClinVar variation 3792091 (VCV003792091.1).

ClinVar aggregate classification (germline): Uncertain significance (1 of 4 stars; one submission).

Conditions:
Inborn genetic diseases. Identifiers: MedGen C0950123, MeSH D030342.

gnomAD v4.1: 2 of 1,613,656 alleles (0.00012%); highest among the groups gnomAD compares: Non-Finnish European, 0.00017%; no homozygotes.

Submission:

Ambry Genetics
Classification: Uncertain significance for Inborn genetic diseases. Last evaluated: 2025-02-15. Review status: criteria provided, single submitter. Criteria: Ambry Variant Classification Scheme 2023. Collection method: clinical testing. Allele origin: germline.
Comment: The p.W951R variant (also known as c.2851T>C), located in coding exon 1 of the SAMD9 gene, results from a T to C substitution at nucleotide position 2851. The tryptophan at codon 951 is replaced by arginine, an amino acid with dissimilar properties. This amino acid position is conserved. In addition, this alteration is predicted to be tolerated by in silico analysis. Based on the available evidence, the clinical significance of this variant remains unclear.